The following is an entry in ClinVar:

ClinVar aggregate classification (germline): Likely pathogenic (1 of 4 stars; one submission).

Conditions:
Telangiectasia, hereditary hemorrhagic, type 2 (HHT2). Also called: Telangiectasia, hereditary hemorrhagic, type II; ACVRL1-Related Hereditary Hemorrhagic Telangiectasia. Identifiers: Orphanet 774, MedGen C1838163, MONDO:0010880, OMIM 600376. Disease mechanism: loss of function.

Submission:

Labcorp Genetics (formerly Invitae), Labcorp
Classification: Likely pathogenic for Telangiectasia, hereditary hemorrhagic, type 2. Last evaluated: 2019-08-06. Review status: criteria provided, single submitter. Criteria: Invitae Variant Classification Sherloc (09022015). Collection method: clinical testing. Allele origin: germline.
Comment: In summary, the currently available evidence indicates that the variant is pathogenic, but additional data are needed to prove that conclusively. Therefore, this variant has been classified as Likely Pathogenic. Loss-of-function variants in ACVRL1 are known to be pathogenic (PMID: 15879500). This variant has been observed in an individual with clinical features of hereditary hemorrhagic telangiectasia (Invitae). This variant is a deletion of the genomic region encompassing part of exon 7 (c.1030_1048+18del) of the ACVRL1 gene. It is expected to disrupt RNA splicing and likely results in an absent or disrupted protein product.

Literature cited by the submitters: PubMed 15879500.

NM_000020.3(ACVRL1):c.1030_1048+18del

Gene: ACVRL1 (activin A receptor like type 1; plus strand). Cytogenetic location: 12q13.13.
Variant type: Deletion.
Coding change: c.1030_1048+18del on transcript NM_000020.3 (MANE Select); coding-DNA position 1030 through 18 bases into the intron after coding-DNA position 1048, 37 bases deleted.
Molecular consequence: splice donor variant.
Genome position (GRCh38, 1-based): chr12:51,915,482-51,915,518, 37 bases deleted; deleting any 37 consecutive bases within chr12:51,915,478-51,915,518 gives the same sequence; the c. name uses the placement nearest the transcript's 3' end. GRCh37 (hg19): chr12:52,309,266-52,309,302.
Other names: c.1030_1048+18del (NM_001077401.2).
Identifiers: ClinVar variation 836378 (VCV000836378.7), dbSNP rs1940812948, ClinGen allele CA916081669.